The following is an entry in ClinVar:

ClinVar aggregate classification (germline): Uncertain significance. Review status: criteria provided, multiple submitters, no conflicts (2 of 4 stars). 2 submissions from 2 submitters: Uncertain significance (2). Last evaluated 2025-12-21.

Allele frequency attached by ClinVar (database versions not stated): gnomAD 0.00015 and 0.00014; ESP Exome Variant Server 0.00038; TOPMed 0.00022.
gnomAD v4.1: 40 of 1,612,846 alleles (0.0025%); highest among the groups gnomAD compares: African/African-American, 0.047%; no homozygotes.

Submissions (2):

Labcorp Genetics (formerly Invitae), Labcorp
Classification: Uncertain significance. Last evaluated: 2025-12-21. Review status: criteria provided, single submitter. Criteria: Invitae Variant Classification Sherloc (09022015). Collection method: clinical testing. Allele origin: germline.
Comment: This sequence change replaces valine, which is neutral and non-polar, with glycine, which is neutral and non-polar, at codon 344 of the CHRM2 protein (p.Val344Gly). This variant is present in population databases (rs139037603, gnomAD 0.03%). This variant has not been reported in the literature in individuals affected with CHRM2-related conditions. ClinVar contains an entry for this variant (Variation ID: 1017967). An algorithm developed to predict the effect of missense changes on protein structure and function (PolyPhen-2) suggests that this variant is likely to be disruptive. In summary, the available evidence is currently insufficient to determine the role of this variant in disease. Therefore, it has been classified as a Variant of Uncertain Significance.

Ambry Genetics
Classification: Uncertain significance. Last evaluated: 2025-09-25. Review status: criteria provided, single submitter. Criteria: Ambry Variant Classification Scheme 2023. Collection method: clinical testing. Allele origin: germline.

NM_001006630.2(CHRM2):c.1031T>G (p.Val344Gly)

Genes: CHRM2 (cholinergic receptor muscarinic 2; plus strand), LOC349160 (uncharacterized LOC349160; minus strand). Cytogenetic location: 7q33.
Variant type: single nucleotide variant.
Coding change: c.1031T>G on transcript NM_001006630.2 (MANE Select); coding-DNA position 1031, T replaced by G.
Protein change: p.Val344Gly; replaces valine 344 with glycine.
Molecular consequence: missense variant.
Genome position (GRCh38, 1-based): chr7:137,015,896, T>G. VCF-style: chr7-137015896-T-G. GRCh37 (hg19) VCF-style: chr7-136700643-T-G.
Other names: c.1031T>G, p.Val344Gly (NM_000739.3, NM_001006626.3, NM_001006627.3 and 6 more transcripts); c.1031T>G (NM_000739.2); short protein forms V344G.
Identifiers: ClinVar variation 1017967 (VCV001017967.10), dbSNP rs139037603, ClinGen allele CA4500608.